The following is an entry in ClinVar:

ClinVar aggregate classification (germline): Pathogenic (1 of 4 stars; one submission).

Submission:

Labcorp Genetics (formerly Invitae), Labcorp
Classification: Pathogenic. Last evaluated: 2023-08-31. Review status: criteria provided, single submitter. Criteria: Invitae Variant Classification Sherloc (09022015). Collection method: clinical testing. Allele origin: germline.
Comment: For these reasons, this variant has been classified as Pathogenic. This variant disrupts a region of the CANT1 protein in which other variant(s) (p.Arg300Cys) have been determined to be pathogenic (PMID: 19853239, 21037275, 34602954). This suggests that this is a clinically significant region of the protein, and that variants that disrupt it are likely to be disease-causing. This variant has not been reported in the literature in individuals affected with CANT1-related conditions. This variant is not present in population databases (gnomAD no frequency). This sequence change creates a premature translational stop signal (p.Ser264Glnfs*20) in the CANT1 gene. While this is not anticipated to result in nonsense mediated decay, it is expected to disrupt the last 138 amino acid(s) of the CANT1 protein.

Literature cited by the submitters: PubMed 19853239; PubMed 21037275; PubMed 34602954.

NM_001159773.2(CANT1):c.789_790del (p.Ser264fs)

Gene: CANT1 (calcium activated nucleotidase 1; minus strand). Cytogenetic location: 17q25.3.
Variant type: Microsatellite.
Coding change: c.789_790del on transcript NM_001159773.2 (MANE Select); coding-DNA positions 789 to 790, 2 bases deleted (GT; older notation c.789_790delGT).
Protein change: p.Ser264fs; shifts the reading frame from serine 264.
Molecular consequence: frameshift variant.
Genome position (GRCh38, 1-based): chr17:78,995,063-78,995,064, AC deleted on the plus strand (GT on the coding strand, the reverse complement: CANT1 is on the minus strand); deleting any 2 consecutive bases within chr17:78,995,063-78,995,066 gives the same sequence; the c. name uses the placement nearest the transcript's 3' end. VCF-style (leftmost placement, unchanged base first): chr17-78995062-GAC-G. GRCh37 (hg19) VCF-style: chr17-76991144-GAC-G.
Other names: c.789_790del, p.Ser264fs (NM_001159772.2, NM_138793.4); short protein forms S264fs.
Identifiers: ClinVar variation 1971912 (VCV001971912.5), dbSNP rs748554497, ClinGen allele CA294811016.
Genomic context (GRCh38, chr17:78,995,062, plus strand): 5'-GGCAGGCGTCTCTTACCTGGCGGCTGGATGCCGGCAGCAGCCCGCAGGGCGTTGTAGTTG[GAC>G]ACCCAGTTCTCGTGGTCCACGCTGCCCTTGTAGCCCACCACCTTCACCCACTCCGGGTTC-3'